The following is an entry in ClinVar:

ClinVar aggregate classification (germline): Uncertain significance (1 of 4 stars; one submission).

gnomAD v4.1: 4 of 1,596,860 alleles (0.00025%); highest among the groups gnomAD compares: Non-Finnish European, 0.00034%; no homozygotes.

Submission:

Labcorp Genetics (formerly Invitae), Labcorp
Classification: Uncertain significance. Last evaluated: 2025-12-06. Review status: criteria provided, single submitter. Criteria: Invitae Variant Classification Sherloc (09022015). Collection method: clinical testing. Allele origin: germline.
Comment: This sequence change replaces tryptophan, which is neutral and slightly polar, with arginine, which is basic and polar, at codon 395 of the IL23R protein (p.Trp395Arg). This variant is present in population databases (rs776798769, gnomAD 0.0009%). This variant has not been reported in the literature in individuals affected with IL23R-related conditions. An algorithm developed to predict the effect of missense changes on protein structure and function (PolyPhen-2) suggests that this variant is likely to be disruptive. In summary, the available evidence is currently insufficient to determine the role of this variant in disease. Therefore, it has been classified as a Variant of Uncertain Significance.

NM_144701.3(IL23R):c.1183T>A (p.Trp395Arg)

Gene: IL23R (interleukin 23 receptor; plus strand). Cytogenetic location: 1p31.3.
Variant type: single nucleotide variant.
Coding change: c.1183T>A on transcript NM_144701.3 (MANE Select); coding-DNA position 1183, T replaced by A.
Protein change: p.Trp395Arg; replaces tryptophan 395 with arginine.
Molecular consequence: missense variant.
Genome position (GRCh38, 1-based): chr1:67,255,871, T>A. VCF-style: chr1-67255871-T-A. GRCh37 (hg19) VCF-style: chr1-67721554-T-A.
Other names: short protein forms W395R.
Identifiers: ClinVar variation 4759660 (VCV004759660.1).